The following is an entry in ClinVar:

ClinVar aggregate classification (germline): Benign. Review status: criteria provided, multiple submitters, no conflicts (2 of 4 stars). 2 submissions from 2 submitters: Benign (2). Last evaluated 2018-01-13.

Conditions:
Aneurysm-osteoarthritis syndrome. Also called: SMAD3-Related Loeys-Dietz Syndrome; ANEURYSMS-OSTEOARTHRITIS SYNDROME; Loeys-Dietz syndrome, type 1C; LOEYS-DIETZ SYNDROME WITH OSTEOARTHRITIS. Identifiers: Orphanet 284984, MedGen C3151087, MONDO:0013426, OMIM 613795.

Allele frequency attached by ClinVar (database versions not stated): gnomAD exomes 0.00155 and 0.00334; ExAC 0.00870; 1000 Genomes Project 0.01498; ESP Exome Variant Server 0.01534; gnomAD 0.01547 and 0.01666; 1000 Genomes Project 30x 0.01608; TOPMed 0.01743.
gnomAD v4.1: 4,566 of 1,550,850 alleles (0.29%); highest among the groups gnomAD compares: African/African-American, 5.4%; 104 homozygotes.

Submissions (2):

Illumina Laboratory Services, Illumina
Classification: Benign for Aneurysm-osteoarthritis syndrome. Last evaluated: 2018-01-13. Review status: criteria provided, single submitter. Criteria: ICSL Variant Classification Criteria 13 December 2019. Collection method: clinical testing. Allele origin: germline.
Comment: This variant was observed in the ICSL laboratory as part of a predisposition screen in an ostensibly healthy population. It had not been previously curated by ICSL or reported in the Human Gene Mutation Database (HGMD: prior to June 1st, 2018), and was therefore a candidate for classification through an automated scoring system. Utilizing variant allele frequency, disease prevalence and penetrance estimates, and inheritance mode, an automated score was calculated to assess if this variant is too frequent to cause the disease. Based on the score and internal cut-off values, a variant classified as benign is not then subjected to further curation. The score for this variant resulted in a classification of benign for this disease.

GeneDx
Classification: Benign. Last evaluated: 2013-10-21. Review status: criteria provided, single submitter. Criteria: GeneDx Variant Classification (06012015). Collection method: clinical testing. Allele origin: germline. Affected: yes.
Comment: This variant is considered likely benign or benign based on one or more of the following criteria: it is a conservative change, it occurs at a poorly conserved position in the protein, it is predicted to be benign by multiple in silico algorithms, and/or has population frequency not consistent with disease.

NM_005902.4(SMAD3):c.-28C>T

Genes: SMAD3 (SMAD family member 3; plus strand), LOC130057352 (ATAC-STARR-seq lymphoblastoid silent region 6574; plus strand). Cytogenetic location: 15q22.33.
Variant type: single nucleotide variant.
Coding change: c.-28C>T on transcript NM_005902.4 (MANE Select); 28 bases upstream of the start codon, C replaced by T.
Molecular consequence: 5 prime UTR variant.
Genome position (GRCh38, 1-based): chr15:67,066,127, C>T. VCF-style: chr15-67066127-C-T. GRCh37 (hg19) VCF-style: chr15-67358465-C-T.
Identifiers: ClinVar variation 139214 (VCV000139214.6), dbSNP rs144374592, ClinGen allele CA020063.